The following is an entry in ClinVar:

ClinVar aggregate classification (germline): Likely pathogenic (1 of 4 stars; one submission).

Conditions:
Premature ovarian failure 9 (POF9). Identifiers: MedGen C3810376, MONDO:0014322, OMIM 615724.

Submission:

First Genomix Gene Laboratory, Genetic Diagnostics Department
Classification: Likely pathogenic for Premature ovarian failure 9. Last evaluated: 2025-09-16. Review status: criteria provided, single submitter. Criteria: ACMG Guidelines, 2015. Collection method: clinical testing. Allele origin: germline. Inheritance: Autosomal recessive inheritance. Affected: no. Observed: 1 variant allele.

NM_001017975.6(HFM1):c.2388del (p.Lys796fs)

Gene: HFM1 (helicase for meiosis 1; minus strand). Cytogenetic location: 1p22.2.
Variant type: Deletion.
Coding change: c.2388del on transcript NM_001017975.6 (MANE Select); coding-DNA position 2388, one base deleted (A; older notation c.2388delA).
Protein change: p.Lys796fs; shifts the reading frame from lysine 796.
Molecular consequence: frameshift variant. On other transcripts: non-coding transcript variant (1).
Genome position (GRCh38, 1-based): chr1:91,324,714, T deleted on the plus strand (A on the coding strand, the reverse complement: HFM1 is on the minus strand); the first of 3 consecutive T bases (chr1:91,324,714-91,324,716); deleting any one gives the same sequence. VCF-style (leftmost placement, unchanged base first): chr1-91324713-AT-A. GRCh37 (hg19) VCF-style: chr1-91790270-AT-A.
Other names: c.2388delA (NM_001017975.6); short protein forms K796fs.
Identifiers: ClinVar variation 4850373 (VCV004850373.1).